The following is an entry in ClinVar:

NM_006767.4(LZTR1):c.1261-1G>A

Gene: LZTR1 (leucine zipper like post translational regulator 1; plus strand). Cytogenetic location: 22q11.21.
Variant type: single nucleotide variant.
Coding change: c.1261-1G>A on transcript NM_006767.4 (MANE Select); the canonical splice acceptor site of the intron before coding-DNA position 1261, G replaced by A.
Molecular consequence: splice acceptor variant.
Genome position (GRCh38, 1-based): chr22:20,993,661, G>A. VCF-style: chr22-20993661-G-A. GRCh37 (hg19) VCF-style: chr22-21347950-G-A.
Identifiers: ClinVar variation 4101835 (VCV004101835.1).
Genomic context (GRCh38, chr22:20,993,661, plus strand): 5'-CAGCCACACTGGGGCCACCCTGCTGTCTGCAACATCTAGTCTCACTGGGCCCCTCTTGCA[G>A]TTCTCCTGTTACCCTAAATGCACGCTGCACGAGGACTACGGGCGGCTGTGGGAGAGCCGC-3'

ClinVar aggregate classification (germline): Uncertain significance (1 of 4 stars; one submission).

Conditions:
Cardiovascular phenotype. Identifiers: MedGen CN230736.
Hereditary cancer-predisposing syndrome. Also called: Tumor predisposition; Neoplastic Syndromes, Hereditary; Hereditary neoplastic syndrome; Hereditary Cancer Syndrome. Identifiers: Orphanet 140162, MedGen C0027672, MeSH D009386, MONDO:0015356.

Submission:

Ambry Genetics
Classification: Uncertain significance for Cardiovascular phenotype; Hereditary cancer-predisposing syndrome. Last evaluated: 2025-08-29. Review status: criteria provided, single submitter. Criteria: Ambry Variant Classification Scheme 2023. Collection method: clinical testing. Allele origin: germline.
Comment: The c.1261-1G>A intronic variant results from a G to A substitution one nucleotide upstream from coding exon 12 of the LZTR1 gene. Alterations that disrupt the canonical splice site are expected to result in aberrant splicing. In silico splice site analysis predicts that this alteration will weaken the native splice acceptor site and may result in the creation or strengthening of a novel splice acceptor site. A resulting transcript is predicted to be in-frame and is not expected to trigger nonsense-mediated mRNAdecay; although, direct evidence is unavailable. This nucleotide position is highly conserved in available vertebrate species. Based on the available evidence, the clinical significance of this variant remains unclear.